The following is an entry in ClinVar:

NM_001201427.2(DAAM2):c.2983-8G>A

Gene: DAAM2 (dishevelled associated activator of morphogenesis 2; plus strand). Cytogenetic location: 6p21.2.
Variant type: single nucleotide variant.
Coding change: c.2983-8G>A on transcript NM_001201427.2 (MANE Select); 8 bases into the intron before coding-DNA position 2983, G replaced by A.
Molecular consequence: intron variant.
Genome position (GRCh38, 1-based): chr6:39,901,805, G>A. VCF-style: chr6-39901805-G-A. GRCh37 (hg19) VCF-style: chr6-39869581-G-A.
Other names: c.2980-8G>A (NM_015345.4).
Identifiers: ClinVar variation 724733 (VCV000724733.6), dbSNP rs138611904, ClinGen allele CA3795505.

ClinVar aggregate classification (germline): Benign. Review status: criteria provided, single submitter (1 of 4 stars). 2 submissions from 2 submitters: Benign (1). 1 of the submissions does not count toward it. Last evaluated 2019-12-31.

Conditions:
DAAM2-related disorder. Also called: DAAM2-related condition.

Allele frequency attached by ClinVar (database versions not stated): ESP Exome Variant Server 0.00097; TOPMed 0.00100; 1000 Genomes Project 0.00220; 1000 Genomes Project 30x 0.00234.
gnomAD v4.1: 411 of 1,520,640 alleles (0.027%); highest among the groups gnomAD compares: African/African-American, 0.35%; no homozygotes.

Submissions (2):

Labcorp Genetics (formerly Invitae), Labcorp
Classification: Benign. Last evaluated: 2019-12-31. Review status: criteria provided, single submitter. Criteria: Invitae Variant Classification Sherloc (09022015). Collection method: clinical testing. Allele origin: germline.

PreventionGenetics, part of Exact Sciences
Classification: Likely benign for DAAM2-related condition. Last evaluated: 2021-04-06. Review status: no assertion criteria provided. Collection method: clinical testing. Allele origin: germline. Not counted in ClinVar's aggregate classification.
Comment: This variant is classified as likely benign based on ACMG/AMP sequence variant interpretation guidelines (Richards et al. 2015 PMID: 25741868, with internal and published modifications).